The following is an entry in ClinVar:

NM_001042492.3(NF1):c.7931C>T (p.Ala2644Val)

Gene: NF1 (neurofibromin 1; plus strand). Cytogenetic location: 17q11.2.
Variant type: single nucleotide variant.
Coding change: c.7931C>T on transcript NM_001042492.3 (MANE Select); coding-DNA position 7931, C replaced by T.
Protein change: p.Ala2644Val; replaces alanine 2644 with valine.
Molecular consequence: missense variant.
Genome position (GRCh38, 1-based): chr17:31,357,330, C>T. VCF-style: chr17-31357330-C-T. GRCh37 (hg19) VCF-style: chr17-29684348-C-T.
Other names: c.7868C>T, p.Ala2623Val (NM_000267.4); short protein forms A2623V, A2644V.
Identifiers: ClinVar variation 3613709 (VCV003613709.3).

ClinVar aggregate classification (germline): Uncertain significance. Review status: criteria provided, multiple submitters, no conflicts (2 of 4 stars). 2 submissions from 2 submitters: Uncertain significance (2). Last evaluated 2026-03-31.

Conditions:
Neurofibromatosis, type 1 (NF1). Also called: VON RECKLINGHAUSEN DISEASE; NEUROFIBROMATOSIS, TYPE I, SOMATIC; Peripheral type neurofibromatosis; Neurofibromatosis, type I. Identifiers: Orphanet 636, MedGen C0027831, MONDO:0018975, OMIM 162200. Disease mechanism: loss of function.
Cardiovascular phenotype. Identifiers: MedGen CN230736.
Hereditary cancer-predisposing syndrome. Also called: Hereditary neoplastic syndrome; Tumor predisposition; Hereditary Cancer Syndrome; Neoplastic Syndromes, Hereditary. Identifiers: Orphanet 140162, MedGen C0027672, MeSH D009386, MONDO:0015356.

Submissions (2):

Ambry Genetics
Classification: Uncertain significance for Cardiovascular phenotype; Hereditary cancer-predisposing syndrome. Last evaluated: 2026-03-31. Review status: criteria provided, single submitter. Criteria: Ambry Variant Classification Scheme 2023. Collection method: clinical testing. Allele origin: germline.
Comment: The p.A2623V variant (also known as c.7868C>T), located in coding exon 53 of the NF1 gene, results from a C to T substitution at nucleotide position 7868. The alanine at codon 2623 is replaced by valine, an amino acid with similar properties. This amino acid position is highly conserved in available vertebrate species. In addition, this alteration is predicted to be deleterious by in silico analysis. Based on the available evidence, the clinical significance of this variant remains unclear.

Labcorp Genetics (formerly Invitae), Labcorp
Classification: Uncertain significance for Neurofibromatosis, type 1. Last evaluated: 2024-08-12. Review status: criteria provided, single submitter. Criteria: Invitae Variant Classification Sherloc (09022015). Collection method: clinical testing. Allele origin: germline.
Comment: This sequence change replaces alanine, which is neutral and non-polar, with valine, which is neutral and non-polar, at codon 2623 of the NF1 protein (p.Ala2623Val). This variant is not present in population databases (gnomAD no frequency). This variant has not been reported in the literature in individuals affected with NF1-related conditions. Advanced modeling of protein sequence and biophysical properties (such as structural, functional, and spatial information, amino acid conservation, physicochemical variation, residue mobility, and thermodynamic stability) performed at Invitae indicates that this missense variant is expected to disrupt NF1 protein function with a positive predictive value of 95%. In summary, the available evidence is currently insufficient to determine the role of this variant in disease. Therefore, it has been classified as a Variant of Uncertain Significance.